The following is an entry in ClinVar:

NM_024753.5(TTC21B):c.-9G>C

Gene: TTC21B (tetratricopeptide repeat domain 21B; minus strand). Cytogenetic location: 2q24.3.
Variant type: single nucleotide variant.
Coding change: c.-9G>C on transcript NM_024753.5 (MANE Select); 9 bases upstream of the start codon, G replaced by C.
Molecular consequence: 5 prime UTR variant.
Genome position (GRCh38, 1-based): chr2:165,953,714, C>G on the plus strand (G>C on the coding strand, the complement: TTC21B is on the minus strand). VCF-style: chr2-165953714-C-G. GRCh37 (hg19) VCF-style: chr2-166810224-C-G.
Identifiers: ClinVar variation 3048945 (VCV003048945.2), dbSNP rs1352550609, ClinGen allele CA537160329.

ClinVar aggregate classification (germline): Likely benign (0 of 4 stars; one submission).

Conditions:
TTC21B-related disorder. Also called: TTC21B-related disorders; TTC21B-related condition.

gnomAD v4.1: 4 of 1,531,280 alleles (0.00026%); highest among the groups gnomAD compares: East Asian, 0.0025%; no homozygotes.

Submission:

PreventionGenetics, part of Exact Sciences
Classification: Likely benign for TTC21B-related condition. Last evaluated: 2022-05-06. Review status: no assertion criteria provided. Collection method: clinical testing. Allele origin: germline.
Comment: This variant is classified as likely benign based on ACMG/AMP sequence variant interpretation guidelines (Richards et al. 2015 PMID: 25741868, with internal and published modifications).